The following is an entry in ClinVar:

NM_001367873.1(SOX6):c.160G>A (p.Glu54Lys)

Gene: SOX6 (SRY-box transcription factor 6; minus strand). Cytogenetic location: 11p15.2.
Variant type: single nucleotide variant.
Coding change: c.160G>A on transcript NM_001367873.1 (MANE Select); coding-DNA position 160, G replaced by A.
Protein change: p.Glu54Lys; replaces glutamic acid 54 with lysine.
Molecular consequence: missense variant.
Genome position (GRCh38, 1-based): chr11:16,341,089, C>T on the plus strand (G>A on the coding strand, the complement: SOX6 is on the minus strand). VCF-style: chr11-16341089-C-T. GRCh37 (hg19) VCF-style: chr11-16362635-C-T.
Other names: c.160G>A, p.Glu54Lys (NM_001145811.2, NM_001145819.2, NM_001367872.1 and 2 more transcripts); short protein forms E54K.
Identifiers: ClinVar variation 1805032 (VCV001805032.1), dbSNP rs2494225458, ClinGen allele CA379876044.

ClinVar aggregate classification (germline): Uncertain significance (1 of 4 stars; one submission).

Conditions:
Tolchin-Le Caignec syndrome. Also called: INTELLECTUAL DEVELOPMENTAL DISORDER WITH BEHAVIORAL ABNORMALITIES AND VARIABLE BONE DEFECTS. Identifiers: MedGen C5436509, MONDO:0033544, OMIM 618971.

Submission:

Victorian Clinical Genetics Services, Murdoch Childrens Research Institute
Classification: Uncertain significance for Tolchin-Le Caignec syndrome. Last evaluated: 2021-05-06. Review status: criteria provided, single submitter. Criteria: ACMG Guidelines, 2015. Collection method: clinical testing. Allele origin: germline. Inheritance: Autosomal dominant inheritance. Affected: yes.
Comment: Based on the classification scheme VCGS_Germline_v1.3.4, this variant is classified as VUS-3B. Following criteria are met: 0102 - Loss of function is a known mechanism of disease in this gene and is associated with Tolchin-Le Caignec syndrome (MIM#618971). (I) 0107 - This gene is associated with autosomal dominant disease. (I) 0115 - Variants in this gene are known to have variable expressivity. Inconsistent abnormalities including mild dysmorphism, craniosynostosis and osteochrondromas have been reported (PMID: 32442410). (I) 0200 - Variant is predicted to result in a missense amino acid change from glutamic acid to lysine. (I) 0251 - This variant is heterozygous. (I) 0301 - Variant is absent from gnomAD (both v2 and v3). (SP) 0502 - Missense variant with conflicting in silico predictions and uninformative conservation. (I) 0604 - Variant is not located in an established domain, motif, hotspot or informative constraint region. (I) 0705 - No comparable missense variants have previous evidence for pathogenicity. (I) 0807 - This variant has no previous evidence of pathogenicity. (I) 0905 - No published segregation evidence has been identified for this variant. (I) 1007 - No published functional evidence has been identified for this variant. (I) 1208 - Inheritance information for this variant is not currently available in this individual. (I) Legend: (SP) - Supporting pathogenic, (I) - Information, (SB) - Supporting benign

Literature cited by the submitters: PubMed 32442410.